The following is an entry in ClinVar:

NM_005956.4(MTHFD1):c.1471G>A (p.Asp491Asn)

Gene: MTHFD1 (methylenetetrahydrofolate dehydrogenase, cyclohydrolase and formyltetrahydrofolate synthetase 1; plus strand). Cytogenetic location: 14q23.3.
Variant type: single nucleotide variant.
Coding change: c.1471G>A on transcript NM_005956.4 (MANE Select); coding-DNA position 1471, G replaced by A.
Protein change: p.Asp491Asn; replaces aspartic acid 491 with asparagine.
Molecular consequence: missense variant.
Genome position (GRCh38, 1-based): chr14:64,431,838, G>A. VCF-style: chr14-64431838-G-A. GRCh37 (hg19) VCF-style: chr14-64898556-G-A.
Other names: c.1471G>A, p.Asp491Asn (NM_001364837.1); short protein forms D491N.
Identifiers: ClinVar variation 1918699 (VCV001918699.4), dbSNP rs937710681, ClinGen allele CA261841716.

ClinVar aggregate classification (germline): Uncertain significance (1 of 4 stars; one submission).

Allele frequency attached by ClinVar (database versions not stated): TOPMed 0.00001.
gnomAD v4.1: 23 of 1,614,002 alleles (0.0014%); highest among the groups gnomAD compares: Non-Finnish European, 0.0018%; no homozygotes.

Submission:

Labcorp Genetics (formerly Invitae), Labcorp
Classification: Uncertain significance. Last evaluated: 2024-12-02. Review status: criteria provided, single submitter. Criteria: Invitae Variant Classification Sherloc (09022015). Collection method: clinical testing. Allele origin: germline.
Comment: This sequence change replaces aspartic acid, which is acidic and polar, with asparagine, which is neutral and polar, at codon 491 of the MTHFD1 protein (p.Asp491Asn). This variant is present in population databases (no rsID available, gnomAD 0.0009%). This variant has not been reported in the literature in individuals affected with MTHFD1-related conditions. ClinVar contains an entry for this variant (Variation ID: 1918699). Invitae Evidence Modeling of protein sequence and biophysical properties (such as structural, functional, and spatial information, amino acid conservation, physicochemical variation, residue mobility, and thermodynamic stability) indicates that this missense variant is not expected to disrupt MTHFD1 protein function with a negative predictive value of 80%. In summary, the available evidence is currently insufficient to determine the role of this variant in disease. Therefore, it has been classified as a Variant of Uncertain Significance.